The following is an entry in ClinVar:

ClinVar aggregate classification (germline): Uncertain significance. Review status: criteria provided, multiple submitters, no conflicts (2 of 4 stars). 2 submissions from 2 submitters: Uncertain significance (2). Last evaluated 2025-03-12.

Conditions:
Inborn genetic diseases. Identifiers: MedGen C0950123, MeSH D030342.

Submissions (2):

Labcorp Genetics (formerly Invitae), Labcorp
Classification: Uncertain significance. Last evaluated: 2025-03-12. Review status: criteria provided, single submitter. Criteria: Invitae Variant Classification Sherloc (09022015). Collection method: clinical testing. Allele origin: germline.
Comment: This sequence change replaces asparagine, which is neutral and polar, with aspartic acid, which is acidic and polar, at codon 1019 of the SAMD9L protein (p.Asn1019Asp). This variant is present in population databases (no rsID available, gnomAD 0.007%). This variant has not been reported in the literature in individuals affected with SAMD9L-related conditions. Invitae Evidence Modeling of protein sequence and biophysical properties (such as structural, functional, and spatial information, amino acid conservation, physicochemical variation, residue mobility, and thermodynamic stability) indicates that this missense variant is not expected to disrupt SAMD9L protein function with a negative predictive value of 80%. In summary, the available evidence is currently insufficient to determine the role of this variant in disease. Therefore, it has been classified as a Variant of Uncertain Significance.

Ambry Genetics
Classification: Uncertain significance for Inborn genetic diseases. Last evaluated: 2024-12-30. Review status: criteria provided, single submitter. Criteria: Ambry Variant Classification Scheme 2023. Collection method: clinical testing. Allele origin: germline.
Comment: The p.N1019D variant (also known as c.3055A>G), located in coding exon 1 of the SAMD9L gene, results from an A to G substitution at nucleotide position 3055. The asparagine at codon 1019 is replaced by aspartic acid, an amino acid with highly similar properties. This amino acid position is conserved. In addition, this alteration is predicted to be tolerated by in silico analysis. Based on the available evidence, the clinical significance of this variant remains unclear.

NM_152703.5(SAMD9L):c.3055A>G (p.Asn1019Asp)

Gene: SAMD9L (sterile alpha motif domain containing 9 like; minus strand). Cytogenetic location: 7q21.2.
Variant type: single nucleotide variant.
Coding change: c.3055A>G on transcript NM_152703.5 (MANE Select); coding-DNA position 3055, A replaced by G.
Protein change: p.Asn1019Asp; replaces asparagine 1019 with aspartic acid.
Molecular consequence: missense variant.
Genome position (GRCh38, 1-based): chr7:93,132,917, T>C on the plus strand (A>G on the coding strand, the complement: SAMD9L is on the minus strand). VCF-style: chr7-93132917-T-C. GRCh37 (hg19) VCF-style: chr7-92762230-T-C.
Other names: c.3055A>G, p.Asn1019Asp (NM_001303496.3, NM_001303497.3, NM_001303498.3 and 5 more transcripts); short protein forms N1019D.
Identifiers: ClinVar variation 3792260 (VCV003792260.2).